The following is an entry in ClinVar:

ClinVar aggregate classification (germline): Uncertain significance (1 of 4 stars; one submission).

Conditions:
Hereditary cancer-predisposing syndrome. Also called: Neoplastic Syndromes, Hereditary; Hereditary Cancer Syndrome; Tumor predisposition; Hereditary neoplastic syndrome. Identifiers: Orphanet 140162, MedGen C0027672, MeSH D009386, MONDO:0015356.

Allele frequency attached by ClinVar (database versions not stated): gnomAD exomes 0.00001 and 0.00002.
gnomAD v4.1: 21 of 1,575,096 alleles (0.0013%); highest among the groups gnomAD compares: Non-Finnish European, 0.0018%; no homozygotes.

Submission:

Labcorp Genetics (formerly Invitae), Labcorp
Classification: Uncertain significance for Hereditary cancer-predisposing syndrome. Last evaluated: 2023-10-09. Review status: criteria provided, single submitter. Criteria: Invitae Variant Classification Sherloc (09022015). Collection method: clinical testing. Allele origin: germline.
Comment: This sequence change falls in intron 16 of the RAD50 gene. It does not directly change the encoded amino acid sequence of the RAD50 protein. It affects a nucleotide within the consensus splice site. This variant is present in population databases (no rsID available, gnomAD 0.002%). This variant has not been reported in the literature in individuals affected with RAD50-related conditions. ClinVar contains an entry for this variant (Variation ID: 944213). Variants that disrupt the consensus splice site are a relatively common cause of aberrant splicing (PMID: 17576681, 9536098). Algorithms developed to predict the effect of sequence changes on RNA splicing suggest that this variant is not likely to affect RNA splicing. In summary, the available evidence is currently insufficient to determine the role of this variant in disease. Therefore, it has been classified as a Variant of Uncertain Significance.

Literature cited by the submitters: PubMed 17576681; PubMed 9536098.

NM_005732.4(RAD50):c.2718+6A>T

Gene: RAD50 (RAD50 double strand break repair protein; plus strand). Cytogenetic location: 5q31.1.
Variant type: single nucleotide variant.
Coding change: c.2718+6A>T on transcript NM_005732.4 (MANE Select); 6 bases into the intron after coding-DNA position 2718, A replaced by T.
Molecular consequence: intron variant.
Genome position (GRCh38, 1-based): chr5:132,605,005, A>T. VCF-style: chr5-132605005-A-T. GRCh37 (hg19) VCF-style: chr5-131940697-A-T.
Identifiers: ClinVar variation 944213 (VCV000944213.10), dbSNP rs863224739, ClinGen allele CA562774979.